The following is an entry in ClinVar:

NM_000238.4(KCNH2):c.3017del (p.Gly1006fs)

Gene: KCNH2 (potassium voltage-gated channel subfamily H member 2; minus strand). Cytogenetic location: 7q36.1.
Variant type: Deletion.
Coding change: c.3017del on transcript NM_000238.4 (MANE Select); coding-DNA position 3017, one base deleted (G; older notation c.3017delG).
Protein change: p.Gly1006fs; shifts the reading frame from glycine 1006.
Molecular consequence: frameshift variant.
Genome position (GRCh38, 1-based): chr7:150,947,463, C deleted on the plus strand (G on the coding strand, the reverse complement: KCNH2 is on the minus strand); the first of 4 consecutive C bases (chr7:150,947,463-150,947,466); deleting any one gives the same sequence. VCF-style (leftmost placement, unchanged base first): chr7-150947462-GC-G. GRCh37 (hg19) VCF-style: chr7-150644550-GC-G.
Other names: c.3017delG (NM_000238.3); c.1997del, p.Gly666fs (NM_172057.3); c.3017del (NM_000238.2); short protein forms G1006fs, G666fs.
Identifiers: ClinVar variation 200799 (VCV000200799.17), dbSNP rs794728504, ClinGen allele CA007808.
Genomic context (GRCh38, chr7:150,947,462, plus strand): 5'-GGGGATGTTGAGGAGGCTGGGGGTGGGGGCGGGGCATCGAGGGAGCTCCTGGTACTGGCG[GC>G]CCCGACTGTCCCCCCAGAAGCTGAAAATGTTGGACACTCCTGAGAAGGCGCCTGCAGCCA-3'

ClinVar aggregate classification (germline): Pathogenic. Review status: criteria provided, multiple submitters, no conflicts (2 of 4 stars). 4 submissions from 4 submitters: Pathogenic (4). Last evaluated 2025-12-01.

Conditions:
Long QT syndrome 2 (LQT2). Identifiers: Orphanet 101016, Orphanet 768, MedGen C3150943, MONDO:0013367, OMIM 613688.
Short QT syndrome type 1. Identifiers: Orphanet 51083, MedGen C1865020, MONDO:0012312, OMIM 609620.
Long QT syndrome (LQTS). Identifiers: MedGen C0023976, MeSH D008133, MONDO:0002442. Disease mechanism: loss of function. Inheritance: Various modes of inheritance.

Submissions (4):

Labcorp Genetics (formerly Invitae), Labcorp
Classification: Pathogenic for Long QT syndrome. Last evaluated: 2025-12-01. Review status: criteria provided, single submitter. Criteria: Invitae Variant Classification Sherloc (09022015). Collection method: clinical testing. Allele origin: germline.
Comment: This sequence change creates a premature translational stop signal (p.Gly1006Alafs*51) in the KCNH2 gene. It is expected to result in an absent or disrupted protein product. Loss-of-function variants in KCNH2 are known to be pathogenic (PMID: 10973849, 19862833). This variant is not present in population databases (gnomAD no frequency). This premature translational stop signal has been observed in individual(s) with KCNH2-related conditions (PMID: 12877697, 15840476). ClinVar contains an entry for this variant (Variation ID: 200799). For these reasons, this variant has been classified as Pathogenic.

GeneDx
Classification: Pathogenic. Last evaluated: 2022-04-04. Review status: criteria provided, single submitter. Criteria: GeneDx Variant Classification Process June 2021. Collection method: clinical testing. Allele origin: germline. Affected: yes.
Comment: Not observed in large population cohorts (gnomAD); Frameshift variant predicted to result in protein truncation or nonsense mediated decay in a gene for which loss-of-function is a known mechanism of disease; This variant is associated with the following publications: (PMID: 15840476, 15851119, 12877697, 31361068)

MVZ Martinsried, Medicover Genetics
Classification: Pathogenic for Long QT syndrome 2. Last evaluated: 2019-08-21. Review status: criteria provided, single submitter. Criteria: ACMG Guidelines, 2015. Collection method: clinical testing. Allele origin: unknown. Affected: yes.

Center for Genomics, Ann and Robert H. Lurie Children's Hospital of Chicago
Classification: Pathogenic for Short QT syndrome type 1; Long QT syndrome 2. Review status: criteria provided, single submitter. Criteria: ACMG Guidelines, 2015. Collection method: clinical testing. Allele origin: germline.
Comment: KCNH2 NM_000238.3 exon 13 p.Gly1006Alafs*51 (c.3017delG): This variant has been reported in the literature in at least 3 individuals with LQTS (Nemec 2003 PMID:12877697Ã‚Â ). This variant is not present in large control databases but is present in ClinVar (Variation ID:200799). Evolutionary conservation and computational predictive tools for this variant are limited or unavailable. This variant creates a premature stop codon 51 amino acids downstream from this location which results in an absent or abnormal protein. Loss of function variants are a known mechanism of disease for this gene (Hedley 2009 PMID:19862833). In summary, this variant is classified as pathogenic based on the data above

Literature cited by the submitters: PubMed 10973849 (cited by Labcorp Genetics (formerly Invitae), Labcorp); PubMed 19862833 (cited by Labcorp Genetics (formerly Invitae), Labcorp); PubMed 12877697 (cited by Labcorp Genetics (formerly Invitae), Labcorp); PubMed 15840476 (cited by Labcorp Genetics (formerly Invitae), Labcorp).